The following is an entry in ClinVar:

NM_000135.4(FANCA):c.1900+7T>A

Gene: FANCA (FA complementation group A; minus strand). Cytogenetic location: 16q24.3.
Variant type: single nucleotide variant.
Coding change: c.1900+7T>A on transcript NM_000135.4 (MANE Select); 7 bases into the intron after coding-DNA position 1900, T replaced by A.
Molecular consequence: intron variant.
Genome position (GRCh38, 1-based): chr16:89,775,735, A>T on the plus strand (T>A on the coding strand, the complement: FANCA is on the minus strand). VCF-style: chr16-89775735-A-T. GRCh37 (hg19) VCF-style: chr16-89842143-A-T.
Other names: c.1900+7T>A (NM_001286167.3, LRG_495t1, NM_000135.3).
Identifiers: ClinVar variation 456090 (VCV000456090.44), dbSNP rs377401016, ClinGen allele CA8251983.
Genomic context (GRCh38, chr16:89,775,735, plus strand): 5'-AGACACTCAAGGTTAGGAAAATGGAAAAGCACAAGTCCCAGAGTGGACAAGCGGCCCAGG[A>T]ACTTACCTTCTGGCTTCTCTTCAGCAGCAGAGCAGGCCTGGCAGTAGGTGGAGTACAGAG-3'

ClinVar aggregate classification (germline): Conflicting classifications of pathogenicity. Review status: criteria provided, conflicting classifications (1 of 4 stars). 7 submissions from 7 submitters: Uncertain significance (1); Benign (1); Likely benign (4). 1 of the submissions does not count toward it. Last evaluated 2026-01-26.

Conditions:
FANCA-related disorder. Also called: FANCA-related condition.
Fanconi anemia (FA). Also called: Fanconi's anemia. Identifiers: Orphanet 84, MedGen C0015625, MeSH D005199, MONDO:0019391.
Fanconi anemia complementation group A (FANCA). Also called: Fanconi anemia, group A; FANCA-Related Fanconi Anemia. Identifiers: Orphanet 84, MedGen C3469521, MONDO:0009215, OMIM 227650.

Allele frequency attached by ClinVar (database versions not stated): TOPMed 0.00008; gnomAD 0.00009; gnomAD exomes 0.00014 and 0.00008; ExAC 0.00018; ESP Exome Variant Server 0.00008.
gnomAD v4.1: 132 of 1,609,204 alleles (0.0082%); highest among the groups gnomAD compares: Middle Eastern, 0.033%; no homozygotes.

Submissions (7):

Labcorp Genetics (formerly Invitae), Labcorp
Classification: Benign for Fanconi anemia. Last evaluated: 2026-01-26. Review status: criteria provided, single submitter. Criteria: Invitae Variant Classification Sherloc (09022015). Collection method: clinical testing. Allele origin: germline.

Blueprint Genetics
Classification: Likely benign. Last evaluated: 2024-09-20. Review status: criteria provided, single submitter. Criteria: ACMG Guidelines, 2015. Collection method: clinical testing. Allele origin: germline.

CeGaT Center for Human Genetics Tuebingen
Classification: Uncertain significance. Last evaluated: 2023-08-01. Review status: criteria provided, single submitter. Criteria: CeGaT Center For Human Genetics Tuebingen Variant Classification Criteria Version 2. Collection method: clinical testing. Allele origin: germline. Affected: yes. Observed: 1 variant allele.
Comment: FANCA: PM2, BP4

KCCC/NGS Laboratory, Kuwait Cancer Control Center
Classification: Likely benign for Fanconi anemia complementation group A. Last evaluated: 2023-07-07. Review status: criteria provided, single submitter. Criteria: ACMG Guidelines, 2015. Collection method: clinical testing. Allele origin: germline. Affected: yes.

Fulgent Genetics
Classification: Likely benign for Fanconi anemia complementation group A. Last evaluated: 2021-08-05. Review status: criteria provided, single submitter. Criteria: ACMG Guidelines, 2015. Collection method: clinical testing. Allele origin: unknown.

Genetic Services Laboratory, University of Chicago
Classification: Likely benign. Last evaluated: 2019-04-30. Review status: criteria provided, single submitter. Criteria: ACMG Guidelines, 2015. Collection method: clinical testing. Allele origin: germline. Affected: no.

PreventionGenetics, part of Exact Sciences
Classification: Likely benign for FANCA-related condition. Last evaluated: 2022-05-16. Review status: no assertion criteria provided. Collection method: clinical testing. Allele origin: germline. Not counted in ClinVar's aggregate classification.
Comment: This variant is classified as likely benign based on ACMG/AMP sequence variant interpretation guidelines (Richards et al. 2015 PMID: 25741868, with internal and published modifications).